The following is an entry in ClinVar:

NM_002439.5(MSH3):c.1825G>A (p.Gly609Ser)

Gene: MSH3 (mutS homolog 3; plus strand). Cytogenetic location: 5q14.1.
Variant type: single nucleotide variant.
Coding change: c.1825G>A on transcript NM_002439.5 (MANE Select); coding-DNA position 1825, G replaced by A.
Protein change: p.Gly609Ser; replaces glycine 609 with serine.
Molecular consequence: missense variant.
Genome position (GRCh38, 1-based): chr5:80,761,607, G>A. VCF-style: chr5-80761607-G-A. GRCh37 (hg19) VCF-style: chr5-80057426-G-A.
Other names: short protein forms G609S.
Identifiers: ClinVar variation 1397849 (VCV001397849.8), dbSNP rs770779948, ClinGen allele CA360276591.

ClinVar aggregate classification (germline): Uncertain significance (1 of 4 stars; one submission).

Submission:

Labcorp Genetics (formerly Invitae), Labcorp
Classification: Uncertain significance. Last evaluated: 2021-05-28. Review status: criteria provided, single submitter. Criteria: Invitae Variant Classification Sherloc (09022015). Collection method: clinical testing. Allele origin: germline.
Comment: In summary, the available evidence is currently insufficient to determine the role of this variant in disease. Therefore, it has been classified as a Variant of Uncertain Significance. Algorithms developed to predict the effect of missense changes on protein structure and function (SIFT, PolyPhen-2, Align-GVGD) all suggest that this variant is likely to be tolerated, but these predictions have not been confirmed by published functional studies and their clinical significance is uncertain. This variant has not been reported in the literature in individuals with MSH3-related conditions. This variant is not present in population databases (ExAC no frequency). This sequence change replaces glycine with serine at codon 609 of the MSH3 protein (p.Gly609Ser). The glycine residue is weakly conserved and there is a small physicochemical difference between glycine and serine.